The following is an entry in ClinVar:

NM_018972.4(GDAP1):c.139A>T (p.Lys47Ter)

Gene: GDAP1 (ganglioside induced differentiation associated protein 1; plus strand). Cytogenetic location: 8q21.11.
Variant type: single nucleotide variant.
Coding change: c.139A>T on transcript NM_018972.4 (MANE Select); coding-DNA position 139, A replaced by T.
Protein change: p.Lys47Ter; replaces lysine 47 with a stop codon.
Molecular consequence: nonsense. On other transcripts: 5 prime UTR variant (1), intron variant (2).
Genome position (GRCh38, 1-based): chr8:74,351,295, A>T. VCF-style: chr8-74351295-A-T. GRCh37 (hg19) VCF-style: chr8-75263530-A-T.
Other names: c.-44A>T (NM_001362929.2); c.139A>T, p.Lys47Ter (NM_001362930.2, NM_001362931.2); c.-18+717A>T (NM_001362932.2); c.-63-3A>T (NM_001040875.4); short protein forms K47*.
Identifiers: ClinVar variation 2801876 (VCV002801876.3), dbSNP rs2536724673, ClinGen allele CA371499275.

ClinVar aggregate classification (germline): Pathogenic (1 of 4 stars; one submission).

Conditions:
Charcot-Marie-Tooth disease type 4A. Also called: Charcot-Marie-Tooth disease, demyelinating, autosomal recessive, type 4a. Identifiers: Orphanet 99948, MedGen C1859198, MONDO:0008961, OMIM 214400.

Allele frequency attached by ClinVar (database versions not stated): gnomAD exomes below 0.00001.
gnomAD v4.1: 1 of 1,614,140 alleles (0.000062%); highest among the groups gnomAD compares: Non-Finnish European, 0.000085%; no homozygotes.

Submission:

Labcorp Genetics (formerly Invitae), Labcorp
Classification: Pathogenic for Charcot-Marie-Tooth disease type 4A. Last evaluated: 2022-11-23. Review status: criteria provided, single submitter. Criteria: Invitae Variant Classification Sherloc (09022015). Collection method: clinical testing. Allele origin: germline.
Comment: This sequence change creates a premature translational stop signal (p.Lys47*) in the GDAP1 gene. It is expected to result in an absent or disrupted protein product. Loss-of-function variants in GDAP1 are known to be pathogenic (PMID: 11743580). This variant is not present in population databases (gnomAD no frequency). This variant has not been reported in the literature in individuals affected with GDAP1-related conditions. Algorithms developed to predict the effect of sequence changes on RNA splicing suggest that this variant may disrupt the consensus splice site. For these reasons, this variant has been classified as Pathogenic.

Literature cited by the submitters: PubMed 11743580.